The following is an entry in ClinVar:

ClinVar aggregate classification (germline): Uncertain significance. Review status: criteria provided, single submitter (1 of 4 stars). 2 submissions from 2 submitters: Uncertain significance (1). 1 of the submissions does not count toward it. Last evaluated 2023-01-31.

Conditions:
ASH1L-related disorder. Also called: ASH1L-related condition.

Submissions (2):

GeneDx
Classification: Uncertain significance. Last evaluated: 2023-01-31. Review status: criteria provided, single submitter. Criteria: GeneDx Variant Classification Process June 2021. Collection method: clinical testing. Allele origin: germline. Affected: yes.
Comment: In-frame deletion of 1 amino acid in a non-repeat region; Not observed at significant frequency in large population cohorts (gnomAD); In silico analysis supports a deleterious effect on protein structure/function; Has not been previously published as pathogenic or benign to our knowledge

PreventionGenetics, part of Exact Sciences
Classification: Uncertain significance for ASH1L-related condition. Last evaluated: 2024-02-11. Review status: no assertion criteria provided. Collection method: clinical testing. Allele origin: germline. Not counted in ClinVar's aggregate classification.
Comment: The ASH1L c.5962_5964delAAG variant is predicted to result in an in-frame deletion (p.Lys1988del). To our knowledge, this variant has not been reported in the literature. This variant is reported in 0.00088% of alleles in individuals of European (Non-Finnish) descent in gnomAD. At this time, the clinical significance of this variant is uncertain due to the absence of conclusive functional and genetic evidence.

NM_018489.3(ASH1L):c.5956AAG[2] (p.Lys1988del)

Gene: ASH1L (ASH1 like histone lysine methyltransferase; minus strand). Cytogenetic location: 1q22.
Variant type: Microsatellite.
Coding change: c.5956AAG[2] on transcript NM_018489.3 (MANE Select); two copies in a row of the 3-base unit AAG starting at c.5956; the reference has three copies in a row; one copy, 3 bases deleted.
Protein change: p.Lys1988del; deletes lysine 1988.
Molecular consequence: inframe deletion.
Genome position (GRCh38, 1-based): chr1:155,415,788-155,415,790, CTT deleted on the plus strand (AAG on the coding strand, the reverse complement: ASH1L is on the minus strand); deleting any 3 consecutive bases within chr1:155,415,788-155,415,796 gives the same sequence; the position shown is the placement nearest the transcript's 3' end. VCF-style (leftmost placement, unchanged base first): chr1-155415787-ACTT-A. GRCh37 (hg19) VCF-style: chr1-155385578-ACTT-A.
Other names: c.5956AAG[2], p.Lys1988del (NM_001366177.2); c.5962_5964delAAG (NM_018489.2); short protein forms K1988del.
Identifiers: ClinVar variation 2428938 (VCV002428938.5), dbSNP rs1337874673, ClinGen allele CA526669124.